The following is an entry in ClinVar:

ClinVar aggregate classification (germline): Uncertain significance. Review status: criteria provided, multiple submitters, no conflicts (2 of 4 stars). 3 submissions from 3 submitters: Uncertain significance (3). Last evaluated 2024-08-20.

Conditions:
Inborn genetic diseases. Identifiers: MedGen C0950123, MeSH D030342.

Allele frequency attached by ClinVar (database versions not stated): ExAC 0.00002; gnomAD 0.00002; TOPMed 0.00003; gnomAD exomes 0.00004; ESP Exome Variant Server 0.00008.
gnomAD v4.1: 27 of 1,608,132 alleles (0.0017%); highest among the groups gnomAD compares: South Asian, 0.0011%; no homozygotes.

Submissions (3):

Ambry Genetics
Classification: Uncertain significance for Inborn genetic diseases. Last evaluated: 2024-08-20. Review status: criteria provided, single submitter. Criteria: Ambry Variant Classification Scheme 2023. Collection method: clinical testing. Allele origin: germline.

Blueprint Genetics
Classification: Uncertain significance. Last evaluated: 2023-05-02. Review status: criteria provided, single submitter. Criteria: ACMG Guidelines, 2015. Collection method: clinical testing. Allele origin: germline.

Labcorp Genetics (formerly Invitae), Labcorp
Classification: Uncertain significance. Last evaluated: 2021-09-21. Review status: criteria provided, single submitter. Criteria: Invitae Variant Classification Sherloc (09022015). Collection method: clinical testing. Allele origin: germline.
Comment: This sequence change replaces arginine with glutamine at codon 59 of the RLBP1 protein (p.Arg59Gln). The arginine residue is highly conserved and there is a small physicochemical difference between arginine and glutamine. This variant is present in population databases (rs201370327, ExAC 0.005%). This variant has not been reported in the literature in individuals affected with RLBP1-related conditions. Algorithms developed to predict the effect of missense changes on protein structure and function are either unavailable or do not agree on the potential impact of this missense change (SIFT: "Deleterious"; PolyPhen-2: "Probably Damaging"; Align-GVGD: "Class C0"). In summary, the available evidence is currently insufficient to determine the role of this variant in disease. Therefore, it has been classified as a Variant of Uncertain Significance.

NM_000326.5(RLBP1):c.176G>A (p.Arg59Gln)

Gene: RLBP1 (retinaldehyde binding protein 1; minus strand). Cytogenetic location: 15q26.1.
Variant type: single nucleotide variant.
Coding change: c.176G>A on transcript NM_000326.5 (MANE Select); coding-DNA position 176, G replaced by A.
Protein change: p.Arg59Gln; replaces arginine 59 with glutamine.
Molecular consequence: missense variant.
Genome position (GRCh38, 1-based): chr15:89,217,290, C>T on the plus strand (G>A on the coding strand, the complement: RLBP1 is on the minus strand). VCF-style: chr15-89217290-C-T. GRCh37 (hg19) VCF-style: chr15-89760521-C-T.
Other names: c.176G>A (NM_000326.4); short protein forms R59Q.
Identifiers: ClinVar variation 1498843 (VCV001498843.6), dbSNP rs201370327, ClinGen allele CA7722368.
Genomic context (GRCh38, chr15:89,217,290, plus strand): 5'-TCCTCCCCCGAGGCCGCCTGCGCCTGCACCATCTCCTGCAGCTCTCGCACTGCCTCCTCC[C>T]GGGTCTCCTCTCTCTCGTTCAGCTCATCCTTGGCCTAGAACAGGGTGGGGTGTGCATGAA-3'
Protein context (NP_000317.1, residues 49-69): KDELNEREET[Arg59Gln]EEAVRELQEM